The following is an entry in ClinVar:

NM_017934.7(PHIP):c.2889+9A>G

Genes: IRAK1BP1 (interleukin 1 receptor associated kinase 1 binding protein 1; plus strand), PHIP (PHIP subunit of CUL4-Ring ligase complex; minus strand). Cytogenetic location: 6q14.1.
Variant type: single nucleotide variant.
Coding change: c.2889+9A>G on transcript NM_017934.7 (MANE Select); 9 bases into the intron after coding-DNA position 2889, A replaced by G.
Molecular consequence: intron variant.
Genome position (GRCh38, 1-based): chr6:78,978,583, T>C on the plus strand (A>G on the coding strand, the complement: PHIP is on the minus strand). VCF-style: chr6-78978583-T-C. GRCh37 (hg19) VCF-style: chr6-79688300-T-C.
Identifiers: ClinVar variation 3357582 (VCV003357582.3).

ClinVar aggregate classification (germline): Likely benign. Review status: criteria provided, single submitter (1 of 4 stars). 2 submissions from 2 submitters: Likely benign (1). 1 of the submissions does not count toward it. Last evaluated 2025-10-01.

Conditions:
PHIP-related disorder. Also called: PHIP-related condition; PHIP-related disorders.

gnomAD v4.1: 8 of 1,568,996 alleles (0.00051%); highest among the groups gnomAD compares: African/African-American, 0.0013%; no homozygotes.

Submissions (2):

Labcorp Genetics (formerly Invitae), Labcorp
Classification: Likely benign. Last evaluated: 2025-10-01. Review status: criteria provided, single submitter. Criteria: Invitae Variant Classification Sherloc (09022015). Collection method: clinical testing. Allele origin: germline.

PreventionGenetics, part of Exact Sciences
Classification: Likely benign for PHIP-related condition. Last evaluated: 2022-05-05. Review status: no assertion criteria provided. Collection method: clinical testing. Allele origin: germline. Not counted in ClinVar's aggregate classification.
Comment: This variant is classified as likely benign based on ACMG/AMP sequence variant interpretation guidelines (Richards et al. 2015 PMID: 25741868, with internal and published modifications).